The following is an entry in ClinVar:

ClinVar aggregate classification (germline): Uncertain significance (1 of 4 stars; one submission).

Conditions:
Cranium bifidum occultum. Also called: CRANIUM BIFIDUM, HEREDITARY; CATLIN MARKS; Enlarged Parietal Foramina. Identifiers: MedGen C1868598, HP:0004423.

Allele frequency attached by ClinVar (database versions not stated): gnomAD exomes below 0.00001; TOPMed below 0.00001.

Submission:

Labcorp Genetics (formerly Invitae), Labcorp
Classification: Uncertain significance for Cranium bifidum occultum. Last evaluated: 2022-03-26. Review status: criteria provided, single submitter. Criteria: Invitae Variant Classification Sherloc (09022015). Collection method: clinical testing. Allele origin: germline.
Comment: This variant is not present in population databases (gnomAD no frequency). This sequence change replaces phenylalanine, which is neutral and non-polar, with leucine, which is neutral and non-polar, at codon 224 of the MSX2 protein (p.Phe224Leu). This variant has not been reported in the literature in individuals affected with MSX2-related conditions. In summary, the available evidence is currently insufficient to determine the role of this variant in disease. Therefore, it has been classified as a Variant of Uncertain Significance. Algorithms developed to predict the effect of missense changes on protein structure and function (SIFT, PolyPhen-2, Align-GVGD) all suggest that this variant is likely to be tolerated.

NM_002449.5(MSX2):c.670T>C (p.Phe224Leu)

Gene: MSX2 (msh homeobox 2; plus strand). Cytogenetic location: 5q35.2.
Variant type: single nucleotide variant.
Coding change: c.670T>C on transcript NM_002449.5 (MANE Select); coding-DNA position 670, T replaced by C.
Protein change: p.Phe224Leu; replaces phenylalanine 224 with leucine.
Molecular consequence: missense variant. On other transcripts: 3 prime UTR variant (1).
Genome position (GRCh38, 1-based): chr5:174,729,449, T>C. VCF-style: chr5-174729449-T-C. GRCh37 (hg19) VCF-style: chr5-174156452-T-C.
Other names: c.*294T>C (NM_001363626.2); short protein forms F224L.
Identifiers: ClinVar variation 1914596 (VCV001914596.5), dbSNP rs747590116, ClinGen allele CA132701460.
Genomic context (GRCh38, chr5:174,729,449, plus strand): 5'-GAACTGGAAAAGCTGAAAATGGCTGCAAAACCTATGCTGCCCTCCAGCTTCAGTCTCCCT[T>C]TCCCCATCAGCTCGCCCCTGCAGGCAGCGTCCATATATGGAGCATCCTACCCGTTCCATA-3'
Protein context (NP_002440.2, residues 214-234): PMLPSSFSLP[Phe224Leu]PISSPLQAAS